The following is an entry in ClinVar:

NM_000264.5(PTCH1):c.202-5C>G

Genes: PTCH1 (patched 1; minus strand), LOC130002132 (ATAC-STARR-seq lymphoblastoid silent region 20069; plus strand). Cytogenetic location: 9q22.32.
Variant type: single nucleotide variant.
Coding change: c.202-5C>G on transcript NM_000264.5 (MANE Select); 5 bases into the intron before coding-DNA position 202, C replaced by G.
Molecular consequence: intron variant.
Genome position (GRCh38, 1-based): chr9:95,506,604, G>C on the plus strand (C>G on the coding strand, the complement: PTCH1 is on the minus strand). VCF-style: chr9-95506604-G-C. GRCh37 (hg19) VCF-style: chr9-98268886-G-C.
Other names: c.199-5C>G (NM_001083603.3); c.4-5C>G (NM_001083602.3, NM_001354919.2); c.202-5C>G (NM_001354918.2); c.-252-5C>G (NM_001083605.3, NM_001083604.3, NM_001083606.3 and 1 more transcripts).
Identifiers: ClinVar variation 4862684 (VCV004862684.1).

ClinVar aggregate classification (germline): Uncertain significance (1 of 4 stars; one submission).

Conditions:
Hereditary cancer-predisposing syndrome. Also called: Neoplastic Syndromes, Hereditary; Tumor predisposition; Hereditary Cancer Syndrome; Hereditary neoplastic syndrome. Identifiers: Orphanet 140162, MedGen C0027672, MeSH D009386, MONDO:0015356.

gnomAD v4.1: 1 of 1,610,174 alleles (0.000062%); highest among the groups gnomAD compares: African/African-American, 0.0013%; no homozygotes.

Submission:

Ambry Genetics
Classification: Uncertain significance for Hereditary cancer-predisposing syndrome. Last evaluated: 2026-04-27. Review status: criteria provided, single submitter. Criteria: Ambry Variant Classification Scheme 2023. Collection method: clinical testing. Allele origin: germline.
Comment: The c.202-5C>G intronic variant results from a C to G substitution 5 nucleotides upstream from coding exon 2 in the PTCH1 gene. This nucleotide position is not well conserved in available vertebrate species. In silico splice site analysis predicts that this alteration may weaken the native splice acceptor site. Based on the available evidence, the clinical significance of this variant remains unclear.